The following is an entry in ClinVar:

NM_002875.5(RAD51):c.946G>C (p.Asp316His)

Gene: RAD51 (RAD51 recombinase; plus strand). Cytogenetic location: 15q15.1.
Variant type: single nucleotide variant.
Coding change: c.946G>C on transcript NM_002875.5 (MANE Select); coding-DNA position 946, G replaced by C.
Protein change: p.Asp316His; replaces aspartic acid 316 with histidine.
Molecular consequence: missense variant.
Genome position (GRCh38, 1-based): chr15:40,731,104, G>C. VCF-style: chr15-40731104-G-C. GRCh37 (hg19) VCF-style: chr15-41023302-G-C.
Other names: c.949G>C, p.Asp317His (NM_001164269.2, NM_133487.4); c.824G>C, p.Arg275Pro (NM_001164270.2); short protein forms D317H, R275P, D316H.
Identifiers: ClinVar variation 1767067 (VCV001767067.2), dbSNP rs2141887081, ClinGen allele CA391760872.
Genomic context (GRCh38, chr15:40,731,104, plus strand): 5'-CTTTGGGTCAGATTGTATCTGAGGAAAGGAAGAGGGGAAACCAGAATCTGCAAAATCTAC[G>C]ACTCTCCCTGTCTTCCTGAAGCTGAAGCTATGTTCGCCATTAATGCAGATGGAGTGGGAG-3'
Protein context (NP_002866.2, residues 306-326): RGETRICKIY[Asp316His]SPCLPEAEAM

ClinVar aggregate classification (germline): Uncertain significance (1 of 4 stars; one submission).

Conditions:
Inborn genetic diseases. Identifiers: MedGen C0950123, MeSH D030342.

Allele frequency attached by ClinVar (database versions not stated): gnomAD exomes below 0.00001.
gnomAD v4.1: 2 of 1,614,088 alleles (0.00012%); highest among the groups gnomAD compares: Non-Finnish European, 0.00017%; no homozygotes.

Submission:

Ambry Genetics
Classification: Uncertain significance for Inborn genetic diseases. Last evaluated: 2022-01-15. Review status: criteria provided, single submitter. Criteria: Ambry Variant Classification Scheme 2023. Collection method: clinical testing. Allele origin: germline.
Comment: The p.D316H variant (also known as c.946G>C), located in coding exon 9 of the RAD51 gene, results from a G to C substitution at nucleotide position 946. The aspartic acid at codon 316 is replaced by histidine, an amino acid with similar properties. This amino acid position is conserved. In addition, the in silico prediction for this alteration is inconclusive. Since supporting evidence is limited at this time, the clinical significance of this alteration remains unclear.